The following is an entry in ClinVar:

NM_003482.4(KMT2D):c.12593G>A (p.Arg4198Gln)

Gene: KMT2D (lysine methyltransferase 2D; minus strand). Cytogenetic location: 12q13.12.
Variant type: single nucleotide variant.
Coding change: c.12593G>A on transcript NM_003482.4 (MANE Select); coding-DNA position 12593, G replaced by A.
Protein change: p.Arg4198Gln; replaces arginine 4198 with glutamine.
Molecular consequence: missense variant.
Genome position (GRCh38, 1-based): chr12:49,032,112, C>T on the plus strand (G>A on the coding strand, the complement: KMT2D is on the minus strand). VCF-style: chr12-49032112-C-T. GRCh37 (hg19) VCF-style: chr12-49425895-C-T.
Other names: short protein forms R4198Q.
Identifiers: ClinVar variation 3350016 (VCV003350016.2).

ClinVar aggregate classification (germline): Benign. Review status: criteria provided, single submitter (1 of 4 stars). 2 submissions from 2 submitters: Benign (1). 1 of the submissions does not count toward it. Last evaluated 2025-05-11.

Conditions:
Kabuki syndrome. Also called: NIIKAWA-KUROKI SYNDROME; Kabuki make-up syndrome. Identifiers: Orphanet 2322, MedGen C0796004, MONDO:0016512.
KMT2D-related disorder. Also called: KMT2D-Related Disorders.

Submissions (2):

Labcorp Genetics (formerly Invitae), Labcorp
Classification: Benign for Kabuki syndrome. Last evaluated: 2025-05-11. Review status: criteria provided, single submitter. Criteria: Invitae Variant Classification Sherloc (09022015). Collection method: clinical testing. Allele origin: germline.

PreventionGenetics, part of Exact Sciences
Classification: Uncertain significance for KMT2D-related condition. Last evaluated: 2024-03-21. Review status: no assertion criteria provided. Collection method: clinical testing. Allele origin: germline. Not counted in ClinVar's aggregate classification.
Comment: The KMT2D c.12593G>A variant is predicted to result in the amino acid substitution p.Arg4198Gln. To our knowledge, this variant has not been reported in the literature. This variant is reported in 0.0033% of alleles in individuals of South Asian descent in gnomAD. At this time, the clinical significance of this variant is uncertain due to the absence of conclusive functional and genetic evidence.